The following is an entry in ClinVar:

ClinVar aggregate classification (germline): Conflicting classifications of pathogenicity. Review status: criteria provided, conflicting classifications (1 of 4 stars). 3 submissions from 3 submitters: Uncertain significance (1); Likely benign (1). 1 of the submissions does not count toward it. Last evaluated 2025-09-01.

Allele frequency attached by ClinVar (database versions not stated): ESP Exome Variant Server 0.00100; gnomAD 0.00104 and 0.00112; 1000 Genomes Project 0.00140; TOPMed 0.00124; 1000 Genomes Project 30x 0.00141.
gnomAD v4.1: 297 of 1,613,492 alleles (0.018%); highest among the groups gnomAD compares: African/African-American, 0.33%; no homozygotes.

Submissions (4):

Ambry Genetics
Classification: Uncertain significance. Last evaluated: 2025-09-01. Review status: criteria provided, single submitter. Criteria: Ambry Variant Classification Scheme 2023. Collection method: clinical testing. Allele origin: germline.

Labcorp Genetics (formerly Invitae), Labcorp
Classification: Likely benign. Last evaluated: 2018-05-16. Review status: criteria provided, single submitter. Criteria: Invitae Variant Classification Sherloc (09022015). Collection method: clinical testing. Allele origin: germline.

Department of Pathology and Laboratory Medicine, Sinai Health System
Classification: Uncertain significance. Review status: no assertion criteria provided. Collection method: clinical testing. Allele origin: unknown. Affected: yes. Study: The Canadian Open Genetics Repository (COGR). Not counted in ClinVar's aggregate classification.
Comment: The DSC3 p.Gly830Ser variant was not identified in the literature nor was it identified in ClinVar or LOVD 3.0. The variant was identified in dbSNP (ID: rs142851621) and Cosmic (FATHMM prediction of pathogenic; score=0.74). The variant was also identified in control databases in 105 of 282074 chromosomes at a frequency of 0.000372 increasing the likelihood this could be a low frequency benign variant (Genome Aggregation Database Feb 27, 2017). The variant was observed in the following populations: African in 96 of 24946 chromosomes (freq: 0.003848), Other in 1 of 7214 chromosomes (freq: 0.000139), Latino in 3 of 35412 chromosomes (freq: 0.000085) and European (non-Finnish) in 5 of 128484 chromosomes (freq: 0.000039); it was not observed in the Ashkenazi Jewish, East Asian, European (Finnish) or South Asian populations. The p.Gly830 residue is not conserved in mammals and four out of five computational analyses (SIFT, AlignGVGD, BLOSUM, MutationTaster) do not suggest a high likelihood of impact to the protein; however, this information is not predictive enough to rule out pathogenicity. The variant occurs outside of the splicing consensus sequence and 3 of 4 in silico or computational prediction software programs (SpliceSiteFinder, NNSPLICE, GeneSplicer) do not predict a difference in splicing; this is not very predictive of pathogenicity. In summary, based on the above information the clinical significance of this variant cannot be determined with certainty at this time. This variant is classified as a variant of uncertain significance.

Dr. Peter K. Rogan Lab, Western University
No classification provided (evidence only). Condition: Malignant tumor of urinary bladder. Review status: no classification provided. Collection method: in vitro. Allele origin: not applicable. Functional consequence: retained intron. Not counted in ClinVar's aggregate classification.

NM_001941.5(DSC3):c.2488G>A (p.Gly830Ser)

Gene: DSC3 (desmocollin 3; minus strand). Cytogenetic location: 18q12.1.
Variant type: single nucleotide variant.
Coding change: c.2488G>A on transcript NM_001941.5 (MANE Select); coding-DNA position 2488, G replaced by A.
Protein change: p.Gly830Ser; replaces glycine 830 with serine.
Molecular consequence: missense variant.
Genome position (GRCh38, 1-based): chr18:30,996,796, C>T on the plus strand (G>A on the coding strand, the complement: DSC3 is on the minus strand). VCF-style: chr18-30996796-C-T. GRCh37 (hg19) VCF-style: chr18-28576762-C-T.
Other names: NC_000018.9:g.28576762C>T; c.2488G>A, p.Gly830Ser (NM_024423.4); c.2488G>A (NM_024423.2); short protein forms G830S.
Identifiers: ClinVar variation 714748 (VCV000714748.6), dbSNP rs142851621, ClinGen allele CA8923995.